The following is an entry in ClinVar:

ClinVar aggregate classification (germline): Uncertain significance. Review status: criteria provided, multiple submitters, no conflicts (2 of 4 stars). 2 submissions from 2 submitters: Uncertain significance (2). Last evaluated 2025-06-25.

Conditions:
Hereditary cancer-predisposing syndrome. Also called: Hereditary neoplastic syndrome; Neoplastic Syndromes, Hereditary; Tumor predisposition; Hereditary Cancer Syndrome. Identifiers: Orphanet 140162, MedGen C0027672, MeSH D009386, MONDO:0015356.

Submissions (2):

Ambry Genetics
Classification: Uncertain significance for Hereditary cancer-predisposing syndrome. Last evaluated: 2025-06-25. Review status: criteria provided, single submitter. Criteria: Ambry Variant Classification Scheme 2023. Collection method: clinical testing. Allele origin: germline.
Comment: The p.S623C variant (also known as c.1868C>G), located in coding exon 12 of the RAD50 gene, results from a C to G substitution at nucleotide position 1868. The serine at codon 623 is replaced by cysteine, an amino acid with dissimilar properties. This amino acid position is conserved. In addition, this alteration is predicted to be tolerated by in silico analysis. Since supporting evidence is limited at this time, the clinical significance of this alteration remains unclear.

Labcorp Genetics (formerly Invitae), Labcorp
Classification: Uncertain significance for Hereditary cancer-predisposing syndrome. Last evaluated: 2020-01-22. Review status: criteria provided, single submitter. Criteria: Invitae Variant Classification Sherloc (09022015). Collection method: clinical testing. Allele origin: germline.
Comment: This variant has not been reported in the literature in individuals with RAD50-related conditions. In summary, the available evidence is currently insufficient to determine the role of this variant in disease. Therefore, it has been classified as a Variant of Uncertain Significance. Algorithms developed to predict the effect of missense changes on protein structure and function are either unavailable or do not agree on the potential impact of this missense change (SIFT: "Deleterious"; PolyPhen-2: "Benign"; Align-GVGD: "Class C0"). This variant is not present in population databases (ExAC no frequency). This sequence change replaces serine with cysteine at codon 623 of the RAD50 protein (p.Ser623Cys). The serine residue is moderately conserved and there is a moderate physicochemical difference between serine and cysteine.

NM_005732.4(RAD50):c.1868C>G (p.Ser623Cys)

Gene: RAD50 (RAD50 double strand break repair protein; plus strand). Cytogenetic location: 5q31.1.
Variant type: single nucleotide variant.
Coding change: c.1868C>G on transcript NM_005732.4 (MANE Select); coding-DNA position 1868, C replaced by G.
Protein change: p.Ser623Cys; replaces serine 623 with cysteine.
Molecular consequence: missense variant.
Genome position (GRCh38, 1-based): chr5:132,594,943, C>G. VCF-style: chr5-132594943-C-G. GRCh37 (hg19) VCF-style: chr5-131930635-C-G.
Other names: short protein forms S623C.
Identifiers: ClinVar variation 948045 (VCV000948045.12), dbSNP rs760464509, ClinGen allele CA360947858.